The following is an entry in ClinVar:

NM_001367721.1(CASK):c.1127A>G (p.Gln376Arg)

Gene: CASK (calcium/calmodulin dependent serine protein kinase; minus strand). Cytogenetic location: Xp11.4.
Variant type: single nucleotide variant.
Coding change: c.1127A>G on transcript NM_001367721.1 (MANE Select); coding-DNA position 1127, A replaced by G.
Protein change: p.Gln376Arg; replaces glutamine 376 with arginine.
Molecular consequence: missense variant.
Genome position (GRCh38, 1-based): chrX:41,609,932, T>C on the plus strand (A>G on the coding strand, the complement: CASK is on the minus strand). VCF-style: chrX-41609932-T-C. GRCh37 (hg19) VCF-style: chrX-41469185-T-C.
Other names: c.1127A>G, p.Gln376Arg (NM_001126054.3, NM_003688.4); c.1109A>G, p.Gln370Arg (NM_001126055.3, NM_001410745.1); short protein forms Q370R, Q376R.
Identifiers: ClinVar variation 2816282 (VCV002816282.3), dbSNP rs2518967257, ClinGen allele CA412999590.

ClinVar aggregate classification (germline): Uncertain significance (1 of 4 stars; one submission).

Conditions:
Intellectual disability, CASK-related, X-linked. Identifiers: MedGen CN043158.

Submission:

Labcorp Genetics (formerly Invitae), Labcorp
Classification: Uncertain significance for Intellectual disability, CASK-related, X-linked. Last evaluated: 2022-11-24. Review status: criteria provided, single submitter. Criteria: Invitae Variant Classification Sherloc (09022015). Collection method: clinical testing. Allele origin: germline.
Comment: Advanced modeling of protein sequence and biophysical properties (such as structural, functional, and spatial information, amino acid conservation, physicochemical variation, residue mobility, and thermodynamic stability) has been performed at Invitae for this missense variant, however the output from this modeling did not meet the statistical confidence thresholds required to predict the impact of this variant on CASK protein function. This variant has not been reported in the literature in individuals affected with CASK-related conditions. This variant is not present in population databases (gnomAD no frequency). This sequence change replaces glutamine, which is neutral and polar, with arginine, which is basic and polar, at codon 376 of the CASK protein (p.Gln376Arg). In summary, the available evidence is currently insufficient to determine the role of this variant in disease. Therefore, it has been classified as a Variant of Uncertain Significance.